The following is an entry in ClinVar:

ClinVar aggregate classification (germline): Uncertain significance (1 of 4 stars; one submission).

Conditions:
Epidermolysis bullosa simplex with nail dystrophy (EBS5D). Identifiers: MedGen C4225309, MONDO:0014661, OMIM 616487.
Epidermolysis bullosa simplex, Ogna type (EBS5A). Also called: Pidermolysis bullosa simplex 5A, Ogna type; EPIDERMOLYSIS BULLOSA SIMPLEX 5A, OGNA TYPE. Identifiers: Orphanet 79401, MedGen C0432317, MONDO:0007555, OMIM 131950.
Autosomal recessive limb-girdle muscular dystrophy type 2Q (LGMDR17). Also called: MUSCULAR DYSTROPHY, LIMB-GIRDLE, AUTOSOMAL RECESSIVE 17. Identifiers: Orphanet 254361, MedGen C3150989, MONDO:0013390, OMIM 613723.
Epidermolysis bullosa simplex 5B, with muscular dystrophy (EBS5B). Also called: EPIDERMOLYSIS BULLOSA SIMPLEX AND LIMB-GIRDLE MUSCULAR DYSTROPHY; Epidermolysis bullosa simplex with muscular dystrophy. Identifiers: Orphanet 257, MedGen C2931072, MONDO:0009181, OMIM 226670.
Epidermolysis bullosa simplex 5C, with pyloric atresia (EBS5C). Also called: PLEC-Related Epidermolysis Bullosa with Pyloric Atresia; Epidermolysis bullosa simplex with pyloric atresia; PLEC1-Related Epidermolysis Bullosa with Pyloric Atresia. Identifiers: Orphanet 158684, MedGen C2677349, MONDO:0012807, OMIM 612138.

Submission:

Labcorp Genetics (formerly Invitae), Labcorp
Classification: Uncertain significance for Autosomal recessive limb-girdle muscular dystrophy type 2Q; Epidermolysis bullosa simplex, Ogna type; Epidermolysis bullosa simplex with nail dystrophy; Epidermolysis bullosa simplex 5C, with pyloric atresia; Epidermolysis bullosa simplex 5B, with muscular dystrophy. Last evaluated: 2024-10-07. Review status: criteria provided, single submitter. Criteria: Invitae Variant Classification Sherloc (09022015). Collection method: clinical testing. Allele origin: germline.
Comment: This variant, c.8576_8578delinsATA, is a complex sequence change that results in the deletion of 2 and insertion of 2 amino acid(s) in the PLEC protein (p.Arg2859_Gly2860delinsHisSer). Information on the frequency of this variant in the gnomAD database is not available, as this variant may be reported differently in the database. This variant has not been reported in the literature in individuals affected with PLEC-related conditions. Experimental studies and prediction algorithms are not available or were not evaluated, and the functional significance of this variant is currently unknown. In summary, the available evidence is currently insufficient to determine the role of this variant in disease. Therefore, it has been classified as a Variant of Uncertain Significance.

NM_201384.3(PLEC):c.8495_8497delinsATA (p.Arg2832_Gly2833delinsHisSer)

Gene: PLEC (plectin; minus strand). Cytogenetic location: 8q24.3.
Variant type: Indel.
Coding change: c.8495_8497delinsATA on transcript NM_201384.3 (MANE Select); coding-DNA positions 8495 to 8497, GCG replaced by ATA.
Protein change: p.Arg2832_Gly2833delinsHisSer.
Molecular consequence: missense variant.
Genome position (GRCh38, 1-based): chr8:143,921,324-143,921,326, CGC replaced by TAT on the plus strand (GCG replaced by ATA on the coding strand, the reverse complement: PLEC is on the minus strand). VCF-style: chr8-143921324-CGC-TAT. GRCh37 (hg19) VCF-style: chr8-144995492-CGC-TAT.
Other names: c.8576_8578delinsATA, p.Arg2859_Gly2860delinsHisSer (NM_000445.5); c.5195_5197delinsATA, p.Arg1732_Gly1733delinsHisSer (NM_001410941.1); c.8453_8455delinsATA, p.Arg2818_Gly2819delinsHisSer (NM_201378.4); c.8429_8431delinsATA, p.Arg2810_Gly2811delinsHisSer (NM_201379.3); c.8906_8908delinsATA, p.Arg2969_Gly2970delinsHisSer (NM_201380.4); c.8399_8401delinsATA, p.Arg2800_Gly2801delinsHisSer (NM_201381.3); c.8495_8497delinsATA, p.Arg2832_Gly2833delinsHisSer (NM_201382.4); c.8507_8509delinsATA, p.Arg2836_Gly2837delinsHisSer (NM_201383.3).
Identifiers: ClinVar variation 3755920 (VCV003755920.2).